The following is an entry in ClinVar:

NM_001001557.4(GDF6):c.274G>A (p.Val92Met)

Gene: GDF6 (growth differentiation factor 6; minus strand). Cytogenetic location: 8q22.1.
Variant type: single nucleotide variant.
Coding change: c.274G>A on transcript NM_001001557.4 (MANE Select); coding-DNA position 274, G replaced by A.
Protein change: p.Val92Met; replaces valine 92 with methionine.
Molecular consequence: missense variant.
Genome position (GRCh38, 1-based): chr8:96,160,419, C>T on the plus strand (G>A on the coding strand, the complement: GDF6 is on the minus strand). VCF-style: chr8-96160419-C-T. GRCh37 (hg19) VCF-style: chr8-97172647-C-T.
Other names: c.274G>A (NM_001001557.2); short protein forms V92M.
Identifiers: ClinVar variation 3758498 (VCV003758498.4).

ClinVar aggregate classification (germline): Uncertain significance. Review status: criteria provided, multiple submitters, no conflicts (2 of 4 stars). 3 submissions from 3 submitters: Uncertain significance (3). Last evaluated 2025-08-06.

Conditions:
Microphthalmia, isolated, with coloboma 6 (MCOPCB6). Also called: MICROPHTHALMIA/COLOBOMA 6; Microphthalmia with coloboma 6, digenic; Microphthalmia with coloboma 6. Identifiers: Orphanet 98938, MedGen C3150968, MONDO:0013376, OMIM 613703.
Leber congenital amaurosis 17 (LCA17). Identifiers: Orphanet 65, MedGen C3715164, MONDO:0014145, OMIM 615360.
Isolated microphthalmia 4. Identifiers: Orphanet 2542, MedGen C2751307, MONDO:0013130, OMIM 613094.
Klippel-Feil syndrome 1, autosomal dominant (KFS1). Also called: CERVICAL VERTEBRAL FUSION, AUTOSOMAL DOMINANT. Identifiers: Orphanet 2345, MedGen C1861689, MONDO:0007306, OMIM 118100.
Inborn genetic diseases. Identifiers: MedGen C0950123, MeSH D030342.

Submissions (3):

Ambry Genetics
Classification: Uncertain significance for Inborn genetic diseases. Last evaluated: 2025-08-06. Review status: criteria provided, single submitter. Criteria: Ambry Variant Classification Scheme 2023. Collection method: clinical testing. Allele origin: germline.

GeneDx
Classification: Uncertain significance. Last evaluated: 2025-07-22. Review status: criteria provided, single submitter. Criteria: GeneDx Variant Classification Process June 2021. Collection method: clinical testing. Allele origin: germline. Affected: yes.
Comment: Not observed at significant frequency in large population cohorts (gnomAD); In silico analysis suggests that this missense variant does not alter protein structure/function; Has not been previously published as pathogenic or benign to our knowledge

Labcorp Genetics (formerly Invitae), Labcorp
Classification: Uncertain significance for Isolated microphthalmia 4; Leber congenital amaurosis 17; Klippel-Feil syndrome 1, autosomal dominant; Microphthalmia, isolated, with coloboma 6. Last evaluated: 2024-11-27. Review status: criteria provided, single submitter. Criteria: Invitae Variant Classification Sherloc (09022015). Collection method: clinical testing. Allele origin: germline.
Comment: This sequence change replaces valine, which is neutral and non-polar, with methionine, which is neutral and non-polar, at codon 92 of the GDF6 protein (p.Val92Met). This variant is not present in population databases (gnomAD no frequency). This variant has not been reported in the literature in individuals affected with GDF6-related conditions. Invitae Evidence Modeling of protein sequence and biophysical properties (such as structural, functional, and spatial information, amino acid conservation, physicochemical variation, residue mobility, and thermodynamic stability) indicates that this missense variant is not expected to disrupt GDF6 protein function with a negative predictive value of 80%. In summary, the available evidence is currently insufficient to determine the role of this variant in disease. Therefore, it has been classified as a Variant of Uncertain Significance.